The following is an entry in ClinVar:

ClinVar aggregate classification (germline): Conflicting classifications of pathogenicity. Review status: criteria provided, conflicting classifications (1 of 4 stars). 3 submissions from 3 submitters: Uncertain significance (1); Likely benign (2). Last evaluated 2025-06-24.

Conditions:
Hereditary cancer-predisposing syndrome. Also called: Tumor predisposition; Hereditary Cancer Syndrome; Hereditary neoplastic syndrome; Neoplastic Syndromes, Hereditary. Identifiers: Orphanet 140162, MedGen C0027672, MeSH D009386, MONDO:0015356.
Hereditary breast ovarian cancer syndrome. Also called: Hereditary breast and ovarian cancer; Hereditary breast and/or ovarian cancer syndrome; BRCA1- and BRCA2-Associated Hereditary Breast and Ovarian Cancer; Hereditary breast and ovarian cancer syndrome; Hereditary breast and ovarian cancer syndrome (HBOC); Breast and ovarian cancer. Identifiers: Orphanet 145, MedGen C0677776, MeSH D061325, MONDO:0003582. Disease mechanism: loss of function.

Submissions (3):

Ambry Genetics
Classification: Likely benign for Hereditary cancer-predisposing syndrome. Last evaluated: 2025-06-24. Review status: criteria provided, single submitter. Criteria: Ambry Variant Classification Scheme 2023. Collection method: clinical testing. Allele origin: germline.

Quest Diagnostics Nichols Institute San Juan Capistrano
Classification: Uncertain significance. Last evaluated: 2023-07-12. Review status: criteria provided, single submitter. Criteria: Quest Diagnostics criteria. Collection method: clinical testing. Allele origin: unknown.
Comment: To the best of our knowledge, this variant has not been reported in individuals with BRCA2-related conditions in the published literature. It also has not been reported in large, multi-ethnic general populations (Genome Aggregation Database). Analysis of this variant using software algorithms for the prediction of the effect of nucleotide changes on splicing yielded predictions that this variant does not affect BRCA2 mRNA splicing . Based on the available information, we are unable to determine the clinical significance of this variant.

Labcorp Genetics (formerly Invitae), Labcorp
Classification: Likely benign for Hereditary breast ovarian cancer syndrome. Last evaluated: 2020-07-10. Review status: criteria provided, single submitter. Criteria: Invitae Variant Classification Sherloc (09022015). Collection method: clinical testing. Allele origin: germline.

NM_000059.4(BRCA2):c.9249A>G (p.Lys3083=)

Gene: BRCA2 (BRCA2 DNA repair associated; plus strand). Cytogenetic location: 13q13.1.
Variant type: single nucleotide variant.
Coding change: c.9249A>G on transcript NM_000059.4 (MANE Select); coding-DNA position 9249, A replaced by G.
Protein change: p.Lys3083=; no amino-acid change (lysine 3083 retained).
Molecular consequence: synonymous variant.
Genome position (GRCh38, 1-based): chr13:32,380,138, A>G. VCF-style: chr13-32380138-A-G. GRCh37 (hg19) VCF-style: chr13-32954275-A-G.
Identifiers: ClinVar variation 409554 (VCV000409554.13), dbSNP rs80359191, ClinGen allele CA16614392.